The following is an entry in ClinVar:

NM_002972.4(SBF1):c.1373A>G (p.Asn458Ser)

Gene: SBF1 (SET binding factor 1; minus strand). Cytogenetic location: 22q13.33.
Variant type: single nucleotide variant.
Coding change: c.1373A>G on transcript NM_002972.4 (MANE Select); coding-DNA position 1373, A replaced by G.
Protein change: p.Asn458Ser; replaces asparagine 458 with serine.
Molecular consequence: missense variant.
Genome position (GRCh38, 1-based): chr22:50,464,877, T>C on the plus strand (A>G on the coding strand, the complement: SBF1 is on the minus strand). VCF-style: chr22-50464877-T-C. GRCh37 (hg19) VCF-style: chr22-50903306-T-C.
Other names: c.1376A>G, p.Asn459Ser (NM_001365819.1, NM_001410794.1); c.1373A>G, p.Asn458Ser (NM_001410795.1); short protein forms N458S, N459S.
Identifiers: ClinVar variation 3615343 (VCV003615343.2).

ClinVar aggregate classification (germline): Uncertain significance (1 of 4 stars; one submission).

gnomAD v4.1: 3 of 1,613,642 alleles (0.00019%); highest among the groups gnomAD compares: Non-Finnish European, 0.00025%; no homozygotes.

Submission:

Labcorp Genetics (formerly Invitae), Labcorp
Classification: Uncertain significance. Last evaluated: 2025-10-02. Review status: criteria provided, single submitter. Criteria: Invitae Variant Classification Sherloc (09022015). Collection method: clinical testing. Allele origin: germline.
Comment: This sequence change replaces asparagine, which is neutral and polar, with serine, which is neutral and polar, at codon 458 of the SBF1 protein (p.Asn458Ser). This variant is present in population databases (rs778155251, gnomAD 0.0009%). This variant has not been reported in the literature in individuals affected with SBF1-related conditions. ClinVar contains an entry for this variant (Variation ID: 3615343). Invitae Evidence Modeling of protein sequence and biophysical properties (such as structural, functional, and spatial information, amino acid conservation, physicochemical variation, residue mobility, and thermodynamic stability) indicates that this missense variant is not expected to disrupt SBF1 protein function with a negative predictive value of 80%. In summary, the available evidence is currently insufficient to determine the role of this variant in disease. Therefore, it has been classified as a Variant of Uncertain Significance.